The following is an entry in ClinVar:

ClinVar aggregate classification (germline): Uncertain significance (1 of 4 stars; one submission).

Allele frequency attached by ClinVar (database versions not stated): ExAC 0.00001.
gnomAD v4.1: 51 of 1,602,704 alleles (0.0032%); highest among the groups gnomAD compares: Non-Finnish European, 0.0041%; no homozygotes.

Submission:

Labcorp Genetics (formerly Invitae), Labcorp
Classification: Uncertain significance. Last evaluated: 2022-04-28. Review status: criteria provided, single submitter. Criteria: Invitae Variant Classification Sherloc (09022015). Collection method: clinical testing. Allele origin: germline.
Comment: This sequence change replaces aspartic acid, which is acidic and polar, with asparagine, which is neutral and polar, at codon 1061 of the LAMC3 protein (p.Asp1061Asn). This variant is present in population databases (rs775411177, gnomAD 0.005%). This variant has not been reported in the literature in individuals affected with LAMC3-related conditions. Algorithms developed to predict the effect of missense changes on protein structure and function (SIFT, PolyPhen-2, Align-GVGD) all suggest that this variant is likely to be tolerated. In summary, the available evidence is currently insufficient to determine the role of this variant in disease. Therefore, it has been classified as a Variant of Uncertain Significance.

NM_006059.4(LAMC3):c.3181G>A (p.Asp1061Asn)

Gene: LAMC3 (laminin subunit gamma 3; plus strand). Cytogenetic location: 9q34.12.
Variant type: single nucleotide variant.
Coding change: c.3181G>A on transcript NM_006059.4 (MANE Select); coding-DNA position 3181, G replaced by A.
Protein change: p.Asp1061Asn; replaces aspartic acid 1061 with asparagine.
Molecular consequence: missense variant.
Genome position (GRCh38, 1-based): chr9:131,071,595, G>A. VCF-style: chr9-131071595-G-A. GRCh37 (hg19) VCF-style: chr9-133946982-G-A.
Other names: short protein forms D1061N.
Identifiers: ClinVar variation 2180667 (VCV002180667.1), dbSNP rs775411177, ClinGen allele CA5287694.